The following is an entry in ClinVar:

NM_000404.4(GLB1):c.955+24G>A

Gene: GLB1 (galactosidase beta 1; minus strand). Cytogenetic location: 3p22.3.
Variant type: single nucleotide variant.
Coding change: c.955+24G>A on transcript NM_000404.4 (MANE Select); 24 bases into the intron after coding-DNA position 955, G replaced by A.
Molecular consequence: intron variant.
Genome position (GRCh38, 1-based): chr3:33,051,734, C>T on the plus strand (G>A on the coding strand, the complement: GLB1 is on the minus strand). VCF-style: chr3-33051734-C-T. GRCh37 (hg19) VCF-style: chr3-33093226-C-T.
Other names: p.?; c.955+24G>A (NM_001393580.1); c.562+24G>A (NM_001135602.3); c.1099+24G>A (NM_001317040.2); c.865+24G>A (NM_001079811.3).
Identifiers: ClinVar variation 4684684 (VCV004684684.1).

ClinVar aggregate classification (germline): Likely benign (1 of 4 stars; one submission).

gnomAD v4.1: 1 of 1,613,918 alleles (0.000062%); highest among the groups gnomAD compares: Admixed American, 0.0017%; no homozygotes.

Submission:

Mayo Clinic Laboratories, Mayo Clinic
Classification: Likely benign. Last evaluated: 2025-04-28. Review status: criteria provided, single submitter. Criteria: ACMG Guidelines, 2015. Collection method: clinical testing. Allele origin: germline. Observed: 1 variant allele.
Comment: BP4, BP7